The following is an entry in ClinVar:

NM_000179.3(MSH6):c.2799del (p.Phe933fs)

Gene: MSH6 (mutS homolog 6; plus strand). Cytogenetic location: 2p16.3.
Variant type: Deletion.
Coding change: c.2799del on transcript NM_000179.3 (MANE Select); coding-DNA position 2799, one base deleted (T; older notation c.2799delT).
Protein change: p.Phe933fs; shifts the reading frame from phenylalanine 933.
Molecular consequence: frameshift variant. On other transcripts: non-coding transcript variant (5), intron variant (2).
Genome position (GRCh38, 1-based): chr2:47,800,782, T deleted; the last of 3 consecutive T bases (chr2:47,800,780-47,800,782); deleting any one gives the same sequence. VCF-style (leftmost placement, unchanged base first): chr2-47800779-CT-C. GRCh37 (hg19) VCF-style: chr2-48027918-CT-C.
Other names: c.2409del, p.Phe803fs (NM_001281492.2); c.1893del, p.Phe631fs (NM_001281493.2, NM_001281494.2, NM_001406811.1 and 6 more transcripts); c.2895del, p.Phe965fs (NM_001406795.1, NM_001406802.1); c.2799del, p.Phe933fs (NM_001406796.1, NM_001406798.1, NM_001406800.1 and 2 more transcripts); c.2502del, p.Phe834fs (NM_001406797.1, NM_001406801.1, NM_001406805.1 and 10 more transcripts); c.2274del, p.Phe758fs (NM_001406799.1, NM_001406806.1, NM_001406807.1); c.2721del, p.Phe907fs (NM_001406804.1); c.744del, p.Phe248fs (NM_001407362.1); and 4 more; short protein forms F248fs, F631fs, F758fs, F803fs, F834fs, F877fs, F907fs, F933fs.
Identifiers: ClinVar variation 4860405 (VCV004860405.1).
Genomic context (GRCh38, chr2:47,800,779, plus strand): 5'-GGATACAGCCTTTGACCATGAAAAGGCTCGAAAGACTGGACTTATTACTCCCAAAGCAGG[CT>C]TTGACTCTGATTATGACCAAGCTCTTGCTGACATAAGAGAAAATGAACAGAGCCTCCTGG-3'

ClinVar aggregate classification (germline): Pathogenic (1 of 4 stars; one submission).

Conditions:
Hereditary cancer-predisposing syndrome. Also called: Neoplastic Syndromes, Hereditary; Tumor predisposition; Hereditary Cancer Syndrome; Hereditary neoplastic syndrome. Identifiers: Orphanet 140162, MedGen C0027672, MeSH D009386, MONDO:0015356.

Submission:

Ambry Genetics
Classification: Pathogenic for Hereditary cancer-predisposing syndrome. Last evaluated: 2026-04-29. Review status: criteria provided, single submitter. Criteria: Ambry Variant Classification Scheme 2023. Collection method: clinical testing. Allele origin: germline.
Comment: The c.2799delT pathogenic mutation, located in coding exon 4 of the MSH6 gene, results from a deletion of one nucleotide at nucleotide position 2799, causing a translational frameshift with a predicted alternate stop codon (p.F933Lfs*12). This variant is considered to be rare based on population cohorts in the Genome Aggregation Database (gnomAD). This alteration is expected to result in loss of function by premature protein truncation or nonsense-mediated mRNA decay. As such, this alteration is interpreted as a disease-causing mutation.